The following is an entry in ClinVar:

NM_000548.5(TSC2):c.3273C>G (p.Gly1091=)

Gene: TSC2 (TSC complex subunit 2; plus strand). Cytogenetic location: 16p13.3.
Variant type: single nucleotide variant.
Coding change: c.3273C>G on transcript NM_000548.5 (MANE Select); coding-DNA position 3273, C replaced by G.
Protein change: p.Gly1091=; no amino-acid change (glycine 1091 retained).
Molecular consequence: synonymous variant. On other transcripts: non-coding transcript variant (5).
Genome position (GRCh38, 1-based): chr16:2,079,417, C>G. VCF-style: chr16-2079417-C-G. GRCh37 (hg19) VCF-style: chr16-2129418-C-G.
Other names: c.3141C>G, p.Gly1047= (NM_001077183.3, NM_001370404.1, NM_001406665.1); c.3273C>G, p.Gly1091= (NM_001114382.3); c.3033C>G, p.Gly1011= (NM_001318827.2); c.2997C>G, p.Gly999= (NM_001318829.2); c.2541C>G, p.Gly847= (NM_001318831.2, NM_001406687.1, NM_001406688.1); c.3174C>G, p.Gly1058= (NM_001318832.2); c.3144C>G, p.Gly1048= (NM_001363528.2, NM_001370405.1, NM_021055.3); c.3270C>G, p.Gly1090= (NM_001406663.1, NM_001406664.1); and 18 more.
Identifiers: ClinVar variation 4071048 (VCV004071048.3).

ClinVar aggregate classification (germline): Benign/Likely benign. Review status: criteria provided, multiple submitters, no conflicts (2 of 4 stars). 3 submissions from 3 submitters: Benign (1); Likely benign (2). Last evaluated 2026-01-25.

Conditions:
Hereditary cancer-predisposing syndrome. Also called: Neoplastic Syndromes, Hereditary; Tumor predisposition; Hereditary neoplastic syndrome; Hereditary Cancer Syndrome. Identifiers: Orphanet 140162, MedGen C0027672, MeSH D009386, MONDO:0015356.
Tuberous sclerosis 2 (TSC2). Identifiers: Orphanet 805, MedGen C1860707, MONDO:0013199, OMIM 613254.

Submissions (3):

Ambry Genetics
Classification: Likely benign for Hereditary cancer-predisposing syndrome. Last evaluated: 2026-01-25. Review status: criteria provided, single submitter. Criteria: Ambry Variant Classification Scheme 2023. Collection method: clinical testing. Allele origin: germline.

Labcorp Genetics (formerly Invitae), Labcorp
Classification: Likely benign for Tuberous sclerosis 2. Last evaluated: 2025-08-13. Review status: criteria provided, single submitter. Criteria: Invitae Variant Classification Sherloc (09022015). Collection method: clinical testing. Allele origin: germline.

Myriad Genetics, Inc.
Classification: Benign for Tuberous sclerosis 2. Last evaluated: 2025-05-28. Review status: criteria provided, single submitter. Criteria: Myriad Autosomal Dominant, Autosomal Recessive and X-Linked Classification Criteria (2023). Collection method: clinical testing. Allele origin: unknown.
Comment: This variant is considered benign. This variant is a silent/synonymous amino acid change and it is not expected to impact splicing.